The following is an entry in ClinVar:

NM_004369.4(COL6A3):c.6703C>T (p.Pro2235Ser)

Gene: COL6A3 (collagen type VI alpha 3 chain; minus strand). Cytogenetic location: 2q37.3.
Variant type: single nucleotide variant.
Coding change: c.6703C>T on transcript NM_004369.4 (MANE Select); coding-DNA position 6703, C replaced by T.
Protein change: p.Pro2235Ser; replaces proline 2235 with serine.
Molecular consequence: missense variant.
Genome position (GRCh38, 1-based): chr2:237,352,572, G>A on the plus strand (C>T on the coding strand, the complement: COL6A3 is on the minus strand). VCF-style: chr2-237352572-G-A. GRCh37 (hg19) VCF-style: chr2-238261215-G-A.
Other names: c.4882C>T, p.Pro1628Ser (NM_057166.5); c.6085C>T, p.Pro2029Ser (NM_057167.4); short protein forms P1628S, P2029S, P2235S.
Identifiers: ClinVar variation 2440464 (VCV002440464.4), dbSNP rs369948687, ClinGen allele CA67847639.
Genomic context (GRCh38, chr2:237,352,572, plus strand): 5'-ACAGGCTTACCCGAGGTCCAGAAATGCCTTGTTCTCCTATCAGCCCTGGAGGACCAGCAG[G>A]ACCAGCTGGGCCCTGAGGAAGGAAAAGACCATCGTGAGTGCTAATGAGGTGACTTTCCAT-3'
Protein context (NP_004360.2, residues 2225-2245): GTRGAQGPAG[Pro2235Ser]AGPPGLIGEQ

ClinVar aggregate classification (germline): Uncertain significance. Review status: criteria provided, multiple submitters, no conflicts (2 of 4 stars). 2 submissions from 2 submitters: Uncertain significance (2). Last evaluated 2025-03-01.

Conditions:
Bethlem myopathy 1A. Also called: MYOPATHY, BENIGN CONGENITAL, WITH CONTRACTURES; Bethlem myopathy 1; Bethlem Muscular Dystrophy. Identifiers: Orphanet 610, MedGen CN029274, MONDO:0024530, OMIM 158810.

Allele frequency attached by ClinVar (database versions not stated): TOPMed below 0.00001; gnomAD 0.00001; ESP Exome Variant Server 0.00008.
gnomAD v4.1: 1 of 1,613,536 alleles (0.000062%); highest among the groups gnomAD compares: Non-Finnish European, 0.000085%; no homozygotes.

Submissions (2):

Labcorp Genetics (formerly Invitae), Labcorp
Classification: Uncertain significance for Bethlem myopathy 1A. Last evaluated: 2025-03-01. Review status: criteria provided, single submitter. Criteria: Invitae Variant Classification Sherloc (09022015). Collection method: clinical testing. Allele origin: germline.
Comment: This sequence change replaces proline, which is neutral and non-polar, with serine, which is neutral and polar, at codon 2235 of the COL6A3 protein (p.Pro2235Ser). This variant is not present in population databases (gnomAD no frequency). This variant has not been reported in the literature in individuals affected with COL6A3-related conditions. ClinVar contains an entry for this variant (Variation ID: 2440464). Invitae Evidence Modeling of protein sequence and biophysical properties (such as structural, functional, and spatial information, amino acid conservation, physicochemical variation, residue mobility, and thermodynamic stability) indicates that this missense variant is not expected to disrupt COL6A3 protein function with a negative predictive value of 80%. In summary, the available evidence is currently insufficient to determine the role of this variant in disease. Therefore, it has been classified as a Variant of Uncertain Significance.

Revvity Omics, Revvity
Classification: Uncertain significance. Last evaluated: 2021-05-04. Review status: criteria provided, single submitter. Criteria: ACMG Guidelines, 2015. Collection method: clinical testing. Allele origin: germline.